The following is an entry in ClinVar:

ClinVar aggregate classification (germline): Uncertain significance (1 of 4 stars; one submission).

Allele frequency attached by ClinVar (database versions not stated): gnomAD exomes below 0.00001; TOPMed below 0.00001.
gnomAD v4.1: 1 of 1,612,856 alleles (0.000062%); highest among the groups gnomAD compares: Admixed American, 0.0017%; no homozygotes.

Submission:

Ambry Genetics
Classification: Uncertain significance. Last evaluated: 2025-09-27. Review status: criteria provided, single submitter. Criteria: Ambry Variant Classification Scheme 2023. Collection method: clinical testing. Allele origin: germline.
Comment: The p.D463N variant (also known as c.1387G>A), located in coding exon 11 of the RECQL gene, results from a G to A substitution at nucleotide position 1387. The aspartic acid at codon 463 is replaced by asparagine, an amino acid with highly similar properties. This amino acid position is highly conserved in available vertebrate species. In addition, this alteration is predicted to be tolerated by in silico analysis. Since supporting evidence is limited at this time, the clinical significance of this alteration remains unclear.

NM_002907.4(RECQL):c.1387G>A (p.Asp463Asn)

Gene: RECQL (RecQ like helicase; minus strand). Cytogenetic location: 12p12.1.
Variant type: single nucleotide variant.
Coding change: c.1387G>A on transcript NM_002907.4 (MANE Select); coding-DNA position 1387, G replaced by A.
Protein change: p.Asp463Asn; replaces aspartic acid 463 with asparagine.
Molecular consequence: missense variant.
Genome position (GRCh38, 1-based): chr12:21,473,611, C>T on the plus strand (G>A on the coding strand, the complement: RECQL is on the minus strand). VCF-style: chr12-21473611-C-T. GRCh37 (hg19) VCF-style: chr12-21626545-C-T.
Other names: c.1387G>A, p.Asp463Asn (NM_032941.3); short protein forms D463N.
Identifiers: ClinVar variation 1771438 (VCV001771438.4), dbSNP rs1469080155, ClinGen allele CA384117585.